The following is an entry in ClinVar:

NM_004407.4(DMP1):c.639G>A (p.Glu213=)

Genes: DMP1 (dentin matrix acidic phosphoprotein 1; plus strand), DMP1-AS1 (DMP1 and DSPP antisense RNA 1; minus strand). Cytogenetic location: 4q22.1.
Variant type: single nucleotide variant.
Coding change: c.639G>A on transcript NM_004407.4 (MANE Select); coding-DNA position 639, G replaced by A.
Protein change: p.Glu213=; no amino-acid change (glutamic acid 213 retained).
Molecular consequence: synonymous variant.
Genome position (GRCh38, 1-based): chr4:87,662,417, G>A. VCF-style: chr4-87662417-G-A. GRCh37 (hg19) VCF-style: chr4-88583569-G-A.
Other names: c.591G>A, p.Glu197= (NM_001079911.3).
Identifiers: ClinVar variation 733883 (VCV000733883.17), dbSNP rs116732769, ClinGen allele CA3002074.

ClinVar aggregate classification (germline): Benign/Likely benign. Review status: criteria provided, multiple submitters, no conflicts (2 of 4 stars). 6 submissions from 6 submitters: Benign (1); Likely benign (5). Last evaluated 2026-09-01.

Conditions:
Hypophosphatemic rickets, autosomal recessive, 1 (ARHR1). Also called: HYPOPHOSPHATEMIA, AUTOSOMAL RECESSIVE. Identifiers: Orphanet 289176, MedGen C4551495, MONDO:0009430, OMIM 241520. Disease mechanism: loss of function.

Allele frequency attached by ClinVar (database versions not stated): gnomAD exomes 0.00019 and 0.00051; ExAC 0.00067; gnomAD 0.00182 and 0.00193; ESP Exome Variant Server 0.00192; 1000 Genomes Project 0.00200; 1000 Genomes Project 30x 0.00219; TOPMed 0.00229.
gnomAD v4.1: 564 of 1,614,172 alleles (0.035%); highest among the groups gnomAD compares: African/African-American, 0.64%; 2 homozygotes.

Submissions (6):

CeGaT Center for Human Genetics Tuebingen
Classification: Likely benign. Last evaluated: 2026-09-01. Review status: criteria provided, single submitter. Criteria: CeGaT Center For Human Genetics Tuebingen Variant Classification Criteria Version 2. Collection method: clinical testing. Allele origin: germline. Affected: yes. Observed: 1 variant allele.
Comment: DMP1: BP4, BP7

Labcorp Genetics (formerly Invitae), Labcorp
Classification: Benign. Last evaluated: 2026-01-19. Review status: criteria provided, single submitter. Criteria: Invitae Variant Classification Sherloc (09022015). Collection method: clinical testing. Allele origin: germline.

Women's Health and Genetics/Laboratory Corporation of America, LabCorp
Classification: Likely benign. Last evaluated: 2025-05-23. Review status: criteria provided, single submitter. Criteria: LabCorp Variant Classification Summary - May 2015. Collection method: clinical testing. Allele origin: germline.

Blueprint Genetics
Classification: Likely benign. Last evaluated: 2024-06-19. Review status: criteria provided, single submitter. Criteria: ACMG Guidelines, 2015. Collection method: clinical testing. Allele origin: germline.

Fulgent Genetics
Classification: Likely benign for Hypophosphatemic rickets, autosomal recessive, 1. Last evaluated: 2021-09-28. Review status: criteria provided, single submitter. Criteria: ACMG Guidelines, 2015. Collection method: clinical testing. Allele origin: unknown.

Illumina Laboratory Services, Illumina
Classification: Likely benign for Hypophosphatemic rickets, autosomal recessive, 1. Last evaluated: 2018-01-12. Review status: criteria provided, single submitter. Criteria: ICSL Variant Classification Criteria 13 December 2019. Collection method: clinical testing. Allele origin: germline.
Comment: This variant was observed in the ICSL laboratory as part of a predisposition screen in an ostensibly healthy population. It had not been previously curated by ICSL or reported in the Human Gene Mutation Database (HGMD: prior to June 1st, 2018), and was therefore a candidate for classification through an automated scoring system. Utilizing variant allele frequency, disease prevalence and penetrance estimates, and inheritance mode, an automated score was calculated to assess if this variant is too frequent to cause the disease. Based on the score and internal cut-off values, a variant classified as likely benign is not then subjected to further curation. The score for this variant resulted in a classification of likely benign for this disease.